The following is an entry in ClinVar:

ClinVar aggregate classification (germline): Uncertain significance. Review status: criteria provided, multiple submitters, no conflicts (2 of 4 stars). 2 submissions from 2 submitters: Uncertain significance (2). Last evaluated 2024-09-03.

Conditions:
Inborn genetic diseases. Identifiers: MedGen C0950123, MeSH D030342.

gnomAD v4.1: 1 of 1,614,130 alleles (0.000062%); highest among the groups gnomAD compares: Non-Finnish European, 0.000085%; no homozygotes.

Submissions (2):

Ambry Genetics
Classification: Uncertain significance for Inborn genetic diseases. Last evaluated: 2024-09-03. Review status: criteria provided, single submitter. Criteria: Ambry Variant Classification Scheme 2023. Collection method: clinical testing. Allele origin: germline.

Labcorp Genetics (formerly Invitae), Labcorp
Classification: Uncertain significance. Last evaluated: 2022-07-16. Review status: criteria provided, single submitter. Criteria: Invitae Variant Classification Sherloc (09022015). Collection method: clinical testing. Allele origin: germline.
Comment: This sequence change replaces valine, which is neutral and non-polar, with isoleucine, which is neutral and non-polar, at codon 910 of the KCNH1 protein (p.Val910Ile). In summary, the available evidence is currently insufficient to determine the role of this variant in disease. Therefore, it has been classified as a Variant of Uncertain Significance. Advanced modeling of protein sequence and biophysical properties (such as structural, functional, and spatial information, amino acid conservation, physicochemical variation, residue mobility, and thermodynamic stability) performed at Invitae indicates that this missense variant is not expected to disrupt KCNH1 protein function. This variant has not been reported in the literature in individuals affected with KCNH1-related conditions. This variant is not present in population databases (gnomAD no frequency).

NM_172362.3(KCNH1):c.2728G>A (p.Val910Ile)

Gene: KCNH1 (potassium voltage-gated channel subfamily H member 1; minus strand). Cytogenetic location: 1q32.2.
Variant type: single nucleotide variant.
Coding change: c.2728G>A on transcript NM_172362.3 (MANE Select); coding-DNA position 2728, G replaced by A.
Protein change: p.Val910Ile; replaces valine 910 with isoleucine.
Molecular consequence: missense variant.
Genome position (GRCh38, 1-based): chr1:210,683,523, C>T on the plus strand (G>A on the coding strand, the complement: KCNH1 is on the minus strand). VCF-style: chr1-210683523-C-T. GRCh37 (hg19) VCF-style: chr1-210856865-C-T.
Other names: c.2647G>A, p.Val883Ile (NM_002238.4); c.2728G>A (NM_172362.2); short protein forms V883I, V910I.
Identifiers: ClinVar variation 2038221 (VCV002038221.5), dbSNP rs1203949281, ClinGen allele CA344870556.